The following is an entry in ClinVar:

ClinVar aggregate classification (germline): Uncertain significance (1 of 4 stars; one submission).

Conditions:
Hereditary cancer-predisposing syndrome. Also called: Neoplastic Syndromes, Hereditary; Tumor predisposition; Hereditary neoplastic syndrome; Hereditary Cancer Syndrome. Identifiers: Orphanet 140162, MedGen C0027672, MeSH D009386, MONDO:0015356.

Submission:

Ambry Genetics
Classification: Uncertain significance for Hereditary cancer-predisposing syndrome. Last evaluated: 2026-07-07. Review status: criteria provided, single submitter. Criteria: Ambry Variant Classification Scheme 2023. Collection method: clinical testing. Allele origin: germline.
Comment: The p.F760V variant (also known as c.2278T>G), located in coding exon 22 of the RB1 gene, results from a T to G substitution at nucleotide position 2278. The phenylalanine at codon 760 is replaced by valine, an amino acid with highly similar properties. This amino acid position is conserved. In addition, this alteration is predicted to be deleterious by in silico analysis. Based on the available evidence, the clinical significance of this variant remains unclear.

NM_000321.3(RB1):c.2278T>G (p.Phe760Val)

Gene: RB1 (RB transcriptional corepressor 1; plus strand). Cytogenetic location: 13q14.2.
Variant type: single nucleotide variant.
Coding change: c.2278T>G on transcript NM_000321.3 (MANE Select); coding-DNA position 2278, T replaced by G.
Protein change: p.Phe760Val; replaces phenylalanine 760 with valine.
Molecular consequence: missense variant.
Genome position (GRCh38, 1-based): chr13:48,465,064, T>G. VCF-style: chr13-48465064-T-G. GRCh37 (hg19) VCF-style: chr13-49039200-T-G.
Other names: c.2278T>G, p.Phe760Val (NM_001407165.1); short protein forms F760V.
Identifiers: ClinVar variation 5027957 (VCV005027957.1).